The following is an entry in ClinVar:

ClinVar aggregate classification (germline): Uncertain significance (1 of 4 stars; one submission).

gnomAD v4.1: 12 of 1,612,912 alleles (0.00074%); highest among the groups gnomAD compares: East Asian, 0.0022%; no homozygotes.

Submission:

Labcorp Genetics (formerly Invitae), Labcorp
Classification: Uncertain significance. Last evaluated: 2025-05-27. Review status: criteria provided, single submitter. Criteria: Invitae Variant Classification Sherloc (09022015). Collection method: clinical testing. Allele origin: germline.
Comment: This sequence change replaces serine, which is neutral and polar, with leucine, which is neutral and non-polar, at codon 189 of the LRP2 protein (p.Ser189Leu). This variant is not present in population databases (gnomAD no frequency). This variant has not been reported in the literature in individuals affected with LRP2-related conditions. Invitae Evidence Modeling of protein sequence and biophysical properties (such as structural, functional, and spatial information, amino acid conservation, physicochemical variation, residue mobility, and thermodynamic stability) indicates that this missense variant is not expected to disrupt LRP2 protein function with a negative predictive value of 95%. In summary, the available evidence is currently insufficient to determine the role of this variant in disease. Therefore, it has been classified as a Variant of Uncertain Significance.

NM_004525.3(LRP2):c.566C>T (p.Ser189Leu)

Gene: LRP2 (LDL receptor related protein 2; minus strand). Cytogenetic location: 2q31.1.
Variant type: single nucleotide variant.
Coding change: c.566C>T on transcript NM_004525.3 (MANE Select); coding-DNA position 566, C replaced by T.
Protein change: p.Ser189Leu; replaces serine 189 with leucine.
Molecular consequence: missense variant.
Genome position (GRCh38, 1-based): chr2:169,294,234, G>A on the plus strand (C>T on the coding strand, the complement: LRP2 is on the minus strand). VCF-style: chr2-169294234-G-A. GRCh37 (hg19) VCF-style: chr2-170150744-G-A.
Other names: short protein forms S189L.
Identifiers: ClinVar variation 4771435 (VCV004771435.1).